The following is an entry in ClinVar:

ClinVar aggregate classification (germline): Likely benign (1 of 4 stars; one submission).

Allele frequency attached by ClinVar (database versions not stated): gnomAD exomes 0.00006.
gnomAD v4.1: 86 of 1,412,752 alleles (0.0061%); highest among the groups gnomAD compares: South Asian, 0.015%; no homozygotes.

Submission:

CeGaT Center for Human Genetics Tuebingen
Classification: Likely benign. Last evaluated: 2024-12-01. Review status: criteria provided, single submitter. Criteria: CeGaT Center For Human Genetics Tuebingen Variant Classification Criteria Version 2. Collection method: clinical testing. Allele origin: germline. Affected: yes. Observed: 4 variant alleles.
Comment: IRF2BPL: BP4, BP7

NM_024496.4(IRF2BPL):c.357G>A (p.Gln119=)

Gene: IRF2BPL (interferon regulatory factor 2 binding protein like; minus strand). Cytogenetic location: 14q24.3.
Variant type: single nucleotide variant.
Coding change: c.357G>A on transcript NM_024496.4 (MANE Select); coding-DNA position 357, G replaced by A.
Protein change: p.Gln119=; no amino-acid change (glutamine 119 retained).
Molecular consequence: synonymous variant.
Genome position (GRCh38, 1-based): chr14:77,027,436, C>T on the plus strand (G>A on the coding strand, the complement: IRF2BPL is on the minus strand). VCF-style: chr14-77027436-C-T. GRCh37 (hg19) VCF-style: chr14-77493779-C-T.
Identifiers: ClinVar variation 2644414 (VCV002644414.24), dbSNP rs970126767, ClinGen allele CA263779329.